The following is an entry in ClinVar:

ClinVar aggregate classification (germline): Likely benign (1 of 4 stars; one submission).

Conditions:
Arrhythmogenic cardiomyopathy with wooly hair and keratoderma. Also called: PALMOPLANTAR KERATODERMA WITH LEFT VENTRICULAR CARDIOMYOPATHY AND WOOLLY HAIR; Carvajal syndrome; Dilated cardiomyopathy with woolly hair and keratoderma; Arrhythmogenic cardiomyopathy with woolly hair and keratoderma. Identifiers: Orphanet 65282, MedGen C1854063, MONDO:0011581, OMIM 605676.

Submission:

All of Us Research Program, National Institutes of Health
Classification: Likely benign for Arrhythmogenic cardiomyopathy with wooly hair and keratoderma. Last evaluated: 2023-06-08. Review status: criteria provided, single submitter. Criteria: ACMG Guidelines, 2015. Collection method: clinical testing. Allele origin: germline. Inheritance: Autosomal dominant inheritance. Observed: 1 variant allele, 1 heterozygote.
Comment: This study involves interpretation of variants in research participants for the purpose of population health screening. Participant phenotype was not available at the time of variant classification. Additional details can be found in publication PMID: 35346344, PMCID: PMC8962531

NM_004415.4(DSP):c.1641G>C (p.Leu547=)

Gene: DSP (desmoplakin; plus strand). Cytogenetic location: 6p24.3.
Variant type: single nucleotide variant.
Coding change: c.1641G>C on transcript NM_004415.4 (MANE Select); coding-DNA position 1641, G replaced by C.
Protein change: p.Leu547=; no amino-acid change (leucine 547 retained).
Molecular consequence: synonymous variant.
Genome position (GRCh38, 1-based): chr6:7,570,503, G>C. VCF-style: chr6-7570503-G-C. GRCh37 (hg19) VCF-style: chr6-7570736-G-C.
Other names: c.1641G>C, p.Leu547= (NM_001008844.3, NM_001319034.2).
Identifiers: ClinVar variation 3071553 (VCV003071553.1), dbSNP rs2533890440, ClinGen allele CA448523970.